The following is an entry in ClinVar:

ClinVar aggregate classification (germline): Uncertain significance (1 of 4 stars; one submission).

Submission:

Labcorp Genetics (formerly Invitae), Labcorp
Classification: Uncertain significance. Last evaluated: 2025-09-27. Review status: criteria provided, single submitter. Criteria: Invitae Variant Classification Sherloc (09022015). Collection method: clinical testing. Allele origin: germline.
Comment: This sequence change replaces glycine, which is neutral and non-polar, with aspartic acid, which is acidic and polar, at codon 841 of the CHD8 protein (p.Gly841Asp). This variant is not present in population databases (gnomAD no frequency). This missense change has been observed in individual(s) with clinical features of CHD8-related conditions (PMID: 36182950). Invitae Evidence Modeling of protein sequence and biophysical properties (such as structural, functional, and spatial information, amino acid conservation, physicochemical variation, residue mobility, and thermodynamic stability) indicates that this missense variant is expected to disrupt CHD8 protein function with a positive predictive value of 80%. In summary, the available evidence is currently insufficient to determine the role of this variant in disease. Therefore, it has been classified as a Variant of Uncertain Significance.

Literature cited by the submitters: PubMed 36182950.

NM_001170629.2(CHD8):c.2522G>A (p.Gly841Asp)

Gene: CHD8 (chromodomain helicase DNA binding protein 8; minus strand). Cytogenetic location: 14q11.2.
Variant type: single nucleotide variant.
Coding change: c.2522G>A on transcript NM_001170629.2 (MANE Select); coding-DNA position 2522, G replaced by A.
Protein change: p.Gly841Asp; replaces glycine 841 with aspartic acid.
Molecular consequence: missense variant.
Genome position (GRCh38, 1-based): chr14:21,408,520, C>T on the plus strand (G>A on the coding strand, the complement: CHD8 is on the minus strand). VCF-style: chr14-21408520-C-T. GRCh37 (hg19) VCF-style: chr14-21876679-C-T.
Other names: c.1685G>A, p.Gly562Asp (NM_020920.4); short protein forms G562D, G841D.
Identifiers: ClinVar variation 4746969 (VCV004746969.1).